The following is an entry in ClinVar:

ClinVar aggregate classification (germline): Pathogenic. Review status: criteria provided, single submitter (1 of 4 stars). 2 submissions from 2 submitters: Pathogenic (1). 1 of the submissions does not count toward it. Last evaluated 2024-05-13.

Conditions:
Bleeding disorder, platelet-type, 24. Also called: GLANZMANN THROMBASTHENIA-LIKE WITH MACROTHROMBOCYTOPENIA 2. Identifiers: MedGen C5543280, MONDO:0030996, OMIM 619271.

Submissions (2):

Labcorp Genetics (formerly Invitae), Labcorp
Classification: Pathogenic. Last evaluated: 2024-05-13. Review status: criteria provided, single submitter. Criteria: Invitae Variant Classification Sherloc (09022015). Collection method: clinical testing. Allele origin: germline.
Comment: This sequence change affects a donor splice site in intron 13 of the ITGB3 gene. RNA analysis indicates that disruption of this splice site induces altered splicing and likely results in a shortened protein product. This variant is not present in population databases (gnomAD no frequency). Disruption of this splice site has been observed in individual(s) with autosomal dominant macrothrombocytopenia (PMID: 19336737, 24498605). It has also been observed to segregate with disease in related individuals. ClinVar contains an entry for this variant (Variation ID: 50228). Studies have shown that disruption of this splice site results in skipping of exon 13, but is expected to preserve the integrity of the reading-frame (PMID: 19336737, 24498605). For these reasons, this variant has been classified as Pathogenic.

OMIM
Classification: Pathogenic for BLEEDING DISORDER, PLATELET-TYPE, 24. Last evaluated: 2009-05-01. Review status: no assertion criteria provided. Collection method: literature only. Allele origin: germline. Not counted in ClinVar's aggregate classification.

Literature cited by the submitters: PubMed 19336737 (cited by Labcorp Genetics (formerly Invitae), Labcorp and OMIM); PubMed 24498605 (cited by Labcorp Genetics (formerly Invitae), Labcorp).

NM_000212.3(ITGB3):c.2134+1G>C

Gene: ITGB3 (integrin subunit beta 3; plus strand). Cytogenetic location: 17q21.32.
Variant type: single nucleotide variant.
Coding change: c.2134+1G>C on transcript NM_000212.3 (MANE Select); the canonical splice donor site of the intron after coding-DNA position 2134, G replaced by C.
Molecular consequence: splice donor variant.
Genome position (GRCh38, 1-based): chr17:47,302,841, G>C. VCF-style: chr17-47302841-G-C. GRCh37 (hg19) VCF-style: chr17-45380207-G-C.
Other names: IVS13DS, G-C, +1.
Identifiers: ClinVar variation 50228 (VCV000050228.7), dbSNP rs398122373, ClinGen allele CA143711.